The following is an entry in ClinVar:

ClinVar aggregate classification (germline): Uncertain significance (1 of 4 stars; one submission).

Allele frequency attached by ClinVar (database versions not stated): gnomAD exomes below 0.00001.
gnomAD v4.1: 2 of 1,614,038 alleles (0.00012%); highest among the groups gnomAD compares: Non-Finnish European, 0.00017%; no homozygotes.

Submission:

Labcorp Genetics (formerly Invitae), Labcorp
Classification: Uncertain significance. Last evaluated: 2026-02-02. Review status: criteria provided, single submitter. Criteria: Invitae Variant Classification Sherloc (09022015). Collection method: clinical testing. Allele origin: germline.
Comment: This sequence change replaces arginine, which is basic and polar, with glutamine, which is neutral and polar, at codon 398 of the PPP2R1A protein (p.Arg398Gln). This variant is not present in population databases (gnomAD no frequency). This variant has not been reported in the literature in individuals affected with PPP2R1A-related conditions. ClinVar contains an entry for this variant (Variation ID: 2066992). Invitae Evidence Modeling of protein sequence and biophysical properties (such as structural, functional, and spatial information, amino acid conservation, physicochemical variation, residue mobility, and thermodynamic stability) indicates that this missense variant is not expected to disrupt PPP2R1A protein function with a negative predictive value of 80%. In summary, the available evidence is currently insufficient to determine the role of this variant in disease. Therefore, it has been classified as a Variant of Uncertain Significance.

NM_014225.6(PPP2R1A):c.1193G>A (p.Arg398Gln)

Gene: PPP2R1A (protein phosphatase 2 scaffold subunit Aalpha; plus strand). Cytogenetic location: 19q13.41.
Variant type: single nucleotide variant.
Coding change: c.1193G>A on transcript NM_014225.6 (MANE Select); coding-DNA position 1193, G replaced by A.
Protein change: p.Arg398Gln; replaces arginine 398 with glutamine.
Molecular consequence: missense variant. On other transcripts: non-coding transcript variant (1).
Genome position (GRCh38, 1-based): chr19:52,219,755, G>A. VCF-style: chr19-52219755-G-A. GRCh37 (hg19) VCF-style: chr19-52723008-G-A.
Other names: c.656G>A, p.Arg219Gln (NM_001363656.2); short protein forms R219Q, R398Q.
Identifiers: ClinVar variation 2066992 (VCV002066992.4), dbSNP rs910814626, ClinGen allele CA309871033.